The following is an entry in ClinVar:

NM_004415.4(DSP):c.2408A>C (p.Lys803Thr)

Gene: DSP (desmoplakin; plus strand). Cytogenetic location: 6p24.3.
Variant type: single nucleotide variant.
Coding change: c.2408A>C on transcript NM_004415.4 (MANE Select); coding-DNA position 2408, A replaced by C.
Protein change: p.Lys803Thr; replaces lysine 803 with threonine.
Molecular consequence: missense variant.
Genome position (GRCh38, 1-based): chr6:7,574,767, A>C. VCF-style: chr6-7574767-A-C. GRCh37 (hg19) VCF-style: chr6-7575000-A-C.
Other names: c.2408A>C, p.Lys803Thr (NM_001008844.3, NM_001319034.2); short protein forms K803T.
Identifiers: ClinVar variation 943876 (VCV000943876.10), dbSNP rs1759183296, ClinGen allele CA362681256.

ClinVar aggregate classification (germline): Uncertain significance (1 of 4 stars; one submission).

Conditions:
Arrhythmogenic right ventricular dysplasia 8 (ARVD8). Also called: Arrhythmogenic Right Ventricular Dysplasia/Cardiomyopathy 8; ARRHYTHMOGENIC RIGHT VENTRICULAR DYSPLASIA, FAMILIAL, 8; ARRHYTHMOGENIC RIGHT VENTRICULAR CARDIOMYOPATHY 8. Identifiers: MedGen C1843896, MONDO:0011831, OMIM 607450.
Arrhythmogenic cardiomyopathy with wooly hair and keratoderma. Also called: Arrhythmogenic cardiomyopathy with woolly hair and keratoderma; PALMOPLANTAR KERATODERMA WITH LEFT VENTRICULAR CARDIOMYOPATHY AND WOOLLY HAIR; Dilated cardiomyopathy with woolly hair and keratoderma; Carvajal syndrome. Identifiers: Orphanet 65282, MedGen C1854063, MONDO:0011581, OMIM 605676.

Submission:

Labcorp Genetics (formerly Invitae), Labcorp
Classification: Uncertain significance for Arrhythmogenic cardiomyopathy with wooly hair and keratoderma; Arrhythmogenic right ventricular dysplasia 8. Last evaluated: 2025-10-22. Review status: criteria provided, single submitter. Criteria: Invitae Variant Classification Sherloc (09022015). Collection method: clinical testing. Allele origin: germline.
Comment: This sequence change replaces lysine, which is basic and polar, with threonine, which is neutral and polar, at codon 803 of the DSP protein (p.Lys803Thr). This variant is not present in population databases (gnomAD no frequency). This variant has not been reported in the literature in individuals affected with DSP-related conditions. ClinVar contains an entry for this variant (Variation ID: 943876). An algorithm developed to predict the effect of missense changes on protein structure and function (PolyPhen-2) suggests that this variant is likely to be disruptive. In summary, the available evidence is currently insufficient to determine the role of this variant in disease. Therefore, it has been classified as a Variant of Uncertain Significance.